The following is an entry in ClinVar:

NM_001130823.3(DNMT1):c.355A>G (p.Arg119Gly)

Gene: DNMT1 (DNA methyltransferase 1; minus strand). Cytogenetic location: 19p13.2.
Variant type: single nucleotide variant.
Coding change: c.355A>G on transcript NM_001130823.3 (MANE Select); coding-DNA position 355, A replaced by G.
Protein change: p.Arg119Gly; replaces arginine 119 with glycine.
Molecular consequence: missense variant. On other transcripts: 5 prime UTR variant (1).
Genome position (GRCh38, 1-based): chr19:10,180,440, T>C on the plus strand (A>G on the coding strand, the complement: DNMT1 is on the minus strand). VCF-style: chr19-10180440-T-C. GRCh37 (hg19) VCF-style: chr19-10291116-T-C.
Other names: c.355A>G, p.Arg119Gly (NM_001318730.2, NM_001379.4); c.-9A>G (NM_001318731.2); c.355A>G (NM_001130823.2); short protein forms R119G.
Identifiers: ClinVar variation 944228 (VCV000944228.16), dbSNP rs146516082, ClinGen allele CA9188785.

ClinVar aggregate classification (germline): Uncertain significance. Review status: criteria provided, multiple submitters, no conflicts (2 of 4 stars). 4 submissions from 4 submitters: Uncertain significance (4). Last evaluated 2026-03-24.

Conditions:
Inborn genetic diseases. Identifiers: MedGen C0950123, MeSH D030342.
Hereditary sensory neuropathy-deafness-dementia syndrome. Also called: HSN IE; Hereditary sensory neuropathy type IE; NEUROPATHY, HEREDITARY SENSORY, WITH HEARING LOSS AND DEMENTIA; Hereditary Sensory and Autonomic Neuropathy Type 1E (HSAN1E). Identifiers: Orphanet 456318, MedGen C3279885, MONDO:0013584, OMIM 614116.
DNMT1-related disorder. Also called: DNMT1-related condition. Identifiers: MedGen CN381527.

Allele frequency attached by ClinVar (database versions not stated): gnomAD 0.00001; gnomAD exomes 0.00001 and 0.00003; ExAC 0.00002; TOPMed 0.00004.
gnomAD v4.1: 44 of 1,614,094 alleles (0.0027%); highest among the groups gnomAD compares: Non-Finnish European, 0.0031%; no homozygotes.

Submissions (4):

PreventionGenetics, part of Exact Sciences
Classification: Uncertain significance for DNMT1-related condition. Last evaluated: 2026-03-24. Review status: criteria provided, single submitter. Criteria: ACMG Guidelines, 2015. Collection method: clinical testing. Allele origin: germline.
Comment: The DNMT1 c.355A>G variant is predicted to result in the amino acid substitution p.Arg119Gly. To our knowledge, this variant has not been reported in the literature. This variant is reported in 0.0026% of alleles in individuals of European (non-Finnish) descent in gnomAD. At this time, the clinical significance of this variant is uncertain due to the absence of conclusive functional and genetic evidence.

Labcorp Genetics (formerly Invitae), Labcorp
Classification: Uncertain significance for Hereditary sensory neuropathy-deafness-dementia syndrome. Last evaluated: 2026-01-22. Review status: criteria provided, single submitter. Criteria: Invitae Variant Classification Sherloc (09022015). Collection method: clinical testing. Allele origin: germline.
Comment: This sequence change replaces arginine, which is basic and polar, with glycine, which is neutral and non-polar, at codon 119 of the DNMT1 protein (p.Arg119Gly). This variant is present in population databases (rs146516082, gnomAD 0.003%). This variant has not been reported in the literature in individuals affected with DNMT1-related conditions. ClinVar contains an entry for this variant (Variation ID: 944228). An algorithm developed to predict the effect of missense changes on protein structure and function (PolyPhen-2) suggests that this variant is likely to be tolerated. In summary, the available evidence is currently insufficient to determine the role of this variant in disease. Therefore, it has been classified as a Variant of Uncertain Significance.

Ambry Genetics
Classification: Uncertain significance for Inborn genetic diseases. Last evaluated: 2020-07-21. Review status: criteria provided, single submitter. Criteria: Ambry Variant Classification Scheme 2023. Collection method: clinical testing. Allele origin: germline.
Comment: The p.R119G variant (also known as c.355A>G), located in coding exon 4 of the DNMT1 gene, results from an A to G substitution at nucleotide position 355. The arginine at codon 119 is replaced by glycine, an amino acid with dissimilar properties. This amino acid position is not well conserved in available vertebrate species. In addition, this alteration is predicted to be tolerated by in silico analysis. Since supporting evidence is limited at this time, the clinical significance of this alteration remains unclear.

Genetic Services Laboratory, University of Chicago
Classification: Uncertain significance. Last evaluated: 2017-10-03. Review status: criteria provided, single submitter. Criteria: ACMG Guidelines, 2015. Collection method: clinical testing. Allele origin: germline. Affected: no.